The following is an entry in ClinVar:

ClinVar aggregate classification (germline): Uncertain significance (1 of 4 stars; one submission).

Submission:

Labcorp Genetics (formerly Invitae), Labcorp
Classification: Uncertain significance. Last evaluated: 2023-04-12. Review status: criteria provided, single submitter. Criteria: Invitae Variant Classification Sherloc (09022015). Collection method: clinical testing. Allele origin: germline.
Comment: In summary, the available evidence is currently insufficient to determine the role of this variant in disease. Therefore, it has been classified as a Variant of Uncertain Significance. This variant has not been reported in the literature in individuals affected with THAP11-related conditions. This variant, c.383_384insACAGCAGCA, results in the insertion of 3 amino acid(s) of the THAP11 protein (p.Gln130_Gln132dup), but otherwise preserves the integrity of the reading frame. The frequency data for this variant in the population databases is considered unreliable, as metrics indicate poor data quality at this position in the gnomAD database.

NM_020457.3(THAP11):c.383_384insACAGCAGCA (p.Gln132_Ser133insGlnGlnGln)

Genes: CENPT (centromere protein T; minus strand), THAP11 (THAP domain containing 11; plus strand). Cytogenetic location: 16q22.1.
Variant type: Microsatellite.
Coding change: c.383_384insACAGCAGCA on transcript NM_020457.3 (MANE Select); coding-DNA positions 383 to 384, ACAGCAGCA inserted.
Protein change: p.Gln132_Ser133insGlnGlnGln.
Molecular consequence: inframe insertion. On other transcripts: intron variant (1).
Genome position: GRCh38 VCF-style: chr16-67842929-G-GCAGCAGCAA. GRCh37 (hg19) VCF-style: chr16-67876832-G-GCAGCAGCAA.
Other names: c.-492+4471_-492+4472insTGCTGCTGT (NM_025082.4).
Identifiers: ClinVar variation 2880723 (VCV002880723.3), dbSNP rs1555494462.